The following is an entry in ClinVar:

NM_000257.4(MYH7):c.2183C>T (p.Ala728Val)

Gene: MYH7 (myosin heavy chain 7; minus strand). Cytogenetic location: 14q11.2.
Variant type: single nucleotide variant.
Coding change: c.2183C>T on transcript NM_000257.4 (MANE Select); coding-DNA position 2183, C replaced by T.
Protein change: p.Ala728Val; replaces alanine 728 with valine.
Molecular consequence: missense variant.
Genome position (GRCh38, 1-based): chr14:23,425,798, G>A on the plus strand (C>T on the coding strand, the complement: MYH7 is on the minus strand). VCF-style: chr14-23425798-G-A. GRCh37 (hg19) VCF-style: chr14-23895007-G-A.
Identifiers: ClinVar variation 14111 (VCV000014111.35), dbSNP rs121913644, ClinGen allele CA011896.

ClinVar aggregate classification (germline): Conflicting classifications of pathogenicity. Review status: criteria provided, conflicting classifications (1 of 4 stars). 11 submissions from 11 submitters: Uncertain significance (5); VUS-high (1); Likely benign (4). 1 of the submissions does not count toward it. Last evaluated 2026-09-03.

Conditions:
MYH7-related disorder. Also called: MYH7-related disorders; MYH7-related condition; MYH7-related disease.
Cardiovascular phenotype. Identifiers: MedGen CN230736.
Cardiomyopathy (CMYO). Also called: Cardiomyopathies. Identifiers: Orphanet 167848, MedGen C0878544, MONDO:0004994, HP:0001638. Inheritance: Various modes of inheritance.
Dilated cardiomyopathy 1S (CMD1S). Identifiers: Orphanet 154, Orphanet 54260, MedGen C1834481, MONDO:0013262, OMIM 613426.
Primary familial hypertrophic cardiomyopathy (HCM). Identifiers: Orphanet 99739, MedGen C0949658, MeSH D024741, MONDO:0024573. Inheritance: Various modes of inheritance.
Hypertrophic cardiomyopathy. Also called: HYPERTROPHIC MYOCARDIOPATHY. Identifiers: Orphanet 217569, MedGen C0007194, MeSH D002312, MONDO:0005045, HP:0001639.

Allele frequency attached by ClinVar (database versions not stated): gnomAD 0.00009 and 0.00010; gnomAD exomes 0.00013 and 0.00016; 1000 Genomes Project 30x 0.00031; TOPMed 0.00009; ExAC 0.00015; 1000 Genomes Project 0.00020.
gnomAD v4.1: 217 of 1,613,978 alleles (0.013%); highest among the groups gnomAD compares: Admixed American, 0.027%; 1 homozygote.

Submissions (11):

PreventionGenetics, part of Exact Sciences
Classification: Uncertain significance for MYH7-related condition. Last evaluated: 2026-09-03. Review status: criteria provided, single submitter. Criteria: ACMG Guidelines, 2015. Collection method: clinical testing. Allele origin: germline.
Comment: The MYH7 c.2183C>T variant is predicted to result in the amino acid substitution p.Ala728Val. The p.Ala728Val variant occurs within the head region of the MYH7 protein. Missense variation within this domain has been reported in association with disease (Homburger et al. 2016. PubMed ID: 27247418). This variant has been reported in multiple individuals with hypertrophic cardiomyopathy (Table S1A, Walsh et al. 2016. PubMed ID: 27532257; Dataset S1, Homburger et al. 2016. PubMed ID: 27247418; Supplementary table S8, McGurk et al. 2023. PubMed ID: 37652022). However, this variant was identified in cis with a known pathogenic variant in MYH7 in two family members who suffered sudden death at an early age (Blair et al. 2001. PubMed ID: 11424919). This variant is reported in 0.040% of alleles in individuals of Latino descent in gnomAD and has conflicting classifications listed in ClinVar ranging from likely benign to uncertain (ClinVar ID: 14111). Although we suspect that this variant may be benign, at this time, the clinical significance of this variant is uncertain due to the absence of conclusive functional and genetic evidence.

Labcorp Genetics (formerly Invitae), Labcorp
Classification: Uncertain significance for Hypertrophic cardiomyopathy. Last evaluated: 2026-01-17. Review status: criteria provided, single submitter. Criteria: Invitae Variant Classification Sherloc (09022015). Collection method: clinical testing. Allele origin: germline.
Comment: This sequence change replaces alanine, which is neutral and non-polar, with valine, which is neutral and non-polar, at codon 728 of the MYH7 protein (p.Ala728Val). This variant is present in population databases (rs121913644, gnomAD 0.04%). This missense change has been observed in individual(s) with hypertrophic cardiomyopathy (PMID: 11424919). ClinVar contains an entry for this variant (Variation ID: 14111). Invitae Evidence Modeling of protein sequence and biophysical properties (such as structural, functional, and spatial information, amino acid conservation, physicochemical variation, residue mobility, and thermodynamic stability) has been performed for this missense variant. However, the output from this modeling did not meet the statistical confidence thresholds required to predict the impact of this variant on MYH7 protein function. In summary, the available evidence is currently insufficient to determine the role of this variant in disease. Therefore, it has been classified as a Variant of Uncertain Significance.

Center for Molecular Medicine, Children’s Hospital of Fudan University
Classification: VUS-high for Dilated cardiomyopathy 1S. Last evaluated: 2025-12-12. Review status: criteria provided, single submitter. Criteria: ACMG Guidelines 2015. Collection method: clinical testing. Allele origin: paternal. Affected: yes.
Comment: PM1+PM2+PS4_PP

Illumina Laboratory Services, Illumina
Classification: Uncertain significance. Last evaluated: 2022-10-12. Review status: criteria provided, single submitter. Criteria: ICSL CNVClassificationCriteria Aug2020. Collection method: clinical testing. Allele origin: unknown. Affected: yes.
Comment: The MYH7 c.2183C>T (p.Ala728Val) missense variant results in the substitution of alanine at amino acid 728 with valine. The c.2183C>T variant that has been reported in one study, in which it was found in a heterozygous state in two individuals from a single family with hypertrophic cardiomyopathy (PMID: 11424919). Both individuals also carried a second known pathogenic missense variant in cis. The variant is reported at a frequency of 0.000395 in the Latino population of the Genome Aggregation Database. Based on the available evidence, the c.2183C>T (p.Ala728Val) variant is classified as a variant of unknown significance for hypertrophic cardiomyopathy.

CHEO Genetics Diagnostic Laboratory, Children's Hospital of Eastern Ontario
Classification: Uncertain significance for Cardiomyopathy. Last evaluated: 2021-10-18. Review status: criteria provided, single submitter. Criteria: ACMG Guidelines, 2015. Collection method: clinical testing. Allele origin: germline.

GeneDx
Classification: Likely benign. Last evaluated: 2020-03-27. Review status: criteria provided, single submitter. Criteria: GeneDx Variant Classification Process June 2021. Collection method: clinical testing. Allele origin: germline. Affected: yes.
Comment: This variant is associated with the following publications: (PMID: 11424919, 30297972, 28518168, 27532257, 27247418, 23820649, 25935763, 27161882, 25637381, 23299917, 24055113)

Ambry Genetics
Classification: Likely benign for Cardiovascular phenotype. Last evaluated: 2020-03-26. Review status: criteria provided, single submitter. Criteria: Ambry Variant Classification Scheme 2023. Collection method: clinical testing. Allele origin: germline.

Color Diagnostics, LLC DBA Color Health
Classification: Likely benign for Cardiomyopathy. Last evaluated: 2019-12-31. Review status: criteria provided, single submitter. Criteria: ACMG Guidelines, 2015. Collection method: clinical testing. Allele origin: germline.

ARUP Laboratories, Molecular Genetics and Genomics, ARUP Laboratories
Classification: Likely benign. Last evaluated: 2018-03-15. Review status: criteria provided, single submitter. Criteria: ARUP Molecular Germline Variant Investigation Process. Collection method: clinical testing. Allele origin: germline.
Comment: The c.2183C>T; p.Ala728Val variant (rs121913644, ClinVar variant ID 14111) was detected and segregated with disease in a family affected with hypertrophic cardiomyopathy; however, another variant in this gene was located on the same chromosome, and was later determined to be clearly pathogenic (Blair 2001, Whiffin 2017), suggesting that the p.Ala728Val variant did not contribute to the disease. This variant is listed in the genome Aggregation Database (gnomAD) with a Latino population frequency of 0.04% (identified on 13 out of 34,420 chromosomes). The alanine at position 728 is moderately conserved, considering 12 species, and computational analyses of the effects of the p.Ala728Val variant on protein structure and function make conflicting predictions (SIFT: damaging, PolyPhen-2: benign). Based on the available information, the p.Ala728Val variant is likely to be benign.

Laboratory for Molecular Medicine, Mass General Brigham Personalized Medicine
Classification: Uncertain significance. Last evaluated: 2014-01-17. Review status: criteria provided, single submitter. Criteria: LMM Criteria. Collection method: clinical testing. Allele origin: germline. Observed: 2 variant alleles.
Comment: proposed classification - variant undergoing re-assessment, contact laboratory

CSER _CC_NCGL, University of Washington
Classification: Uncertain significance for Cardiomyopathy, hypertrophic. Last evaluated: 2014-06-01. Review status: no assertion criteria provided. Collection method: research. Allele origin: germline. Inheritance: Autosomal dominant inheritance. Study: ESP 6500 variant annotation. Not counted in ClinVar's aggregate classification.
Comment: Variants classified for the Actionable exomic incidental findings in 6503 participants: challenges of variant classification manuscript

Literature cited by the submitters: PubMed 11424919 (cited by 3 submitters).